The following is an entry in ClinVar:

ClinVar aggregate classification (germline): Pathogenic/Likely pathogenic. Review status: criteria provided, multiple submitters, no conflicts (2 of 4 stars). 6 submissions from 6 submitters: Pathogenic (3); Likely pathogenic (2). 1 of the submissions does not count toward it. Last evaluated 2024-03-14.

Conditions:
Inborn genetic diseases. Identifiers: MedGen C0950123, MeSH D030342.
Glycogen storage disease, type IV (GSD4). Also called: Glycogen storage disease due to glycogen branching enzyme deficiency; AMYLOPECTINOSIS; ANDERSEN DISEASE; BRANCHER DEFICIENCY; CIRRHOSIS, FAMILIAL, WITH DEPOSITION OF ABNORMAL GLYCOGEN; GBE1 DEFICIENCY. Identifiers: Orphanet 367, MedGen C0017923, MONDO:0009292, OMIM 232500.
GBE1-related disorder. Also called: GBE1-related disorders; GBE1-related condition. Identifiers: MedGen CN239402.

Submissions (6):

Genomic Medicine Center of Excellence, King Faisal Specialist Hospital and Research Centre
Classification: Likely pathogenic for Glycogen storage disease IV. Last evaluated: 2024-03-14. Review status: criteria provided, single submitter. Criteria: ACMG Guidelines, 2015. Collection method: clinical testing. Allele origin: germline.

Genomic Research Center, Shahid Beheshti University of Medical Sciences
Classification: Pathogenic for Glycogen storage disease, type IV. Last evaluated: 2023-11-26. Review status: criteria provided, single submitter. Criteria: ACMG Guidelines, 2015. Collection method: clinical testing. Allele origin: inherited. Inheritance: Autosomal recessive inheritance. Affected: yes. Observed: 1 homozygote.

Blueprint Genetics
Classification: Pathogenic for GBE1-related disorders. Last evaluated: 2021-05-10. Review status: criteria provided, single submitter. Criteria: ACMG Guidelines, 2015. Collection method: clinical testing. Allele origin: germline. Affected: yes. Observed: 2 variant alleles.

Baylor Genetics
Classification: Pathogenic for Glycogen storage disease, type IV. Last evaluated: 2020-07-27. Review status: criteria provided, single submitter. Criteria: ACMG Guidelines, 2015. Collection method: clinical testing. Allele origin: unknown. Affected: yes.
Comment: This variant was determined to be pathogenic according to ACMG Guidelines, 2015 [PMID:25741868].

Ambry Genetics
Classification: Likely pathogenic for Inborn genetic diseases. Last evaluated: 2015-06-11. Review status: criteria provided, single submitter. Criteria: Ambry exome assertion method (8-5-2015). Collection method: clinical testing. Allele origin: germline. Affected: yes. Observed: 1 variant allele.

Biochemical Molecular Genetic Laboratory, King Abdulaziz Medical City
Classification: Pathogenic for Glycogen storage disease, type IV. Last evaluated: 2018-05-24. Review status: no assertion criteria provided. Collection method: clinical testing. Allele origin: germline. Affected: yes. Not counted in ClinVar's aggregate classification.

NM_000158.4(GBE1):c.998A>T (p.Glu333Val)

Gene: GBE1 (1,4-alpha-glucan branching enzyme 1; minus strand). Cytogenetic location: 3p12.2.
Variant type: single nucleotide variant.
Coding change: c.998A>T on transcript NM_000158.4 (MANE Select); coding-DNA position 998, A replaced by T.
Protein change: p.Glu333Val; replaces glutamic acid 333 with valine.
Molecular consequence: missense variant.
Genome position (GRCh38, 1-based): chr3:81,594,018, T>A on the plus strand (A>T on the coding strand, the complement: GBE1 is on the minus strand). VCF-style: chr3-81594018-T-A. GRCh37 (hg19) VCF-style: chr3-81643169-T-A.
Other names: short protein forms E333V.
Identifiers: ClinVar variation 520679 (VCV000520679.7), dbSNP rs1553684545, ClinGen allele CA353685960.